The following is an entry in ClinVar:

ClinVar aggregate classification (germline): Benign/Likely benign. Review status: criteria provided, multiple submitters, no conflicts (2 of 4 stars). 8 submissions from 8 submitters: Benign (5); Likely benign (1). 2 of the submissions do not count toward it. Last evaluated 2026-02-03.

Conditions:
Acrocallosal syndrome (ACLS). Also called: Schinzel syndrome 1; Absence of corpus callosum with unusual facial appearance, mental deficiency, duplication of the halluces and polydactyly; HALLUX DUPLICATION, POSTAXIAL POLYDACTYLY, AND ABSENCE OF CORPUS CALLOSUM. Identifiers: Orphanet 36, MedGen C0796147, MONDO:0008708, OMIM 200990.

Allele frequency attached by ClinVar (database versions not stated): ESP Exome Variant Server 0.01909; 1000 Genomes Project 0.02037; 1000 Genomes Project 30x 0.02342.
gnomAD v4.1: 6,433 of 1,605,288 alleles (0.4%); highest among the groups gnomAD compares: African/African-American, 6%; 143 homozygotes.

Submissions (8):

Labcorp Genetics (formerly Invitae), Labcorp
Classification: Benign for Acrocallosal syndrome. Last evaluated: 2026-02-03. Review status: criteria provided, single submitter. Criteria: Invitae Variant Classification Sherloc (09022015). Collection method: clinical testing. Allele origin: germline.

Blueprint Genetics
Classification: Likely benign. Last evaluated: 2024-11-25. Review status: criteria provided, single submitter. Criteria: ACMG Guidelines, 2015. Collection method: clinical testing. Allele origin: germline.

Illumina Laboratory Services, Illumina
Classification: Benign for Acrocallosal syndrome. Last evaluated: 2018-01-13. Review status: criteria provided, single submitter. Criteria: ICSL Variant Classification Criteria 13 December 2019. Collection method: clinical testing. Allele origin: germline.
Comment: This variant was observed in the ICSL laboratory as part of a predisposition screen in an ostensibly healthy population. It had not been previously curated by ICSL or reported in the Human Gene Mutation Database (HGMD: prior to June 1st, 2018), and was therefore a candidate for classification through an automated scoring system. Utilizing variant allele frequency, disease prevalence and penetrance estimates, and inheritance mode, an automated score was calculated to assess if this variant is too frequent to cause the disease. Based on the score and internal cut-off values, a variant classified as benign is not then subjected to further curation. The score for this variant resulted in a classification of benign for this disease.

GeneDx
Classification: Benign. Last evaluated: 2016-11-04. Review status: criteria provided, single submitter. Criteria: GeneDx Variant Classification (06012015). Collection method: clinical testing. Allele origin: germline. Affected: yes.
Comment: This variant is considered likely benign or benign based on one or more of the following criteria: it is a conservative change, it occurs at a poorly conserved position in the protein, it is predicted to be benign by multiple in silico algorithms, and/or has population frequency not consistent with disease.

Breakthrough Genomics
Classification: Benign. Review status: criteria provided, single submitter. Criteria: ACMG Guidelines, 2015. Collection method: not provided. Allele origin: germline. Inheritance: Autosomal recessive inheritance. Affected: yes.

PreventionGenetics, part of Exact Sciences
Classification: Benign. Review status: criteria provided, single submitter. Criteria: ACMG Guidelines, 2015. Collection method: clinical testing. Allele origin: germline.

Clinical Genetics DNA and cytogenetics Diagnostics Lab, Erasmus MC, Erasmus Medical Center
Classification: Benign. Review status: no assertion criteria provided. Collection method: clinical testing. Allele origin: germline. Affected: yes. Study: VKGL Data-share Consensus. Not counted in ClinVar's aggregate classification.

Clinical Genetics, Academic Medical Center
Classification: Benign. Review status: no assertion criteria provided. Collection method: clinical testing. Allele origin: germline. Affected: yes. Study: VKGL Data-share Consensus. Not counted in ClinVar's aggregate classification.

NM_198525.3(KIF7):c.2592+11C>A

Gene: KIF7 (kinesin family member 7; minus strand). Cytogenetic location: 15q26.1.
Variant type: single nucleotide variant.
Coding change: c.2592+11C>A on transcript NM_198525.3 (MANE Select); 11 bases into the intron after coding-DNA position 2592, C replaced by A.
Molecular consequence: intron variant.
Genome position (GRCh38, 1-based): chr15:89,633,675, G>T on the plus strand (C>A on the coding strand, the complement: KIF7 is on the minus strand). VCF-style: chr15-89633675-G-T. GRCh37 (hg19) VCF-style: chr15-90176906-G-T.
Identifiers: ClinVar variation 263142 (VCV000263142.19), dbSNP rs78199895, ClinGen allele CA7728086.